The following is an entry in ClinVar:

NM_000642.3(AGL):c.1391dup (p.Asp465fs)

Gene: AGL (amylo-alpha-1,6-glucosidase and 4-alpha-glucanotransferase; plus strand). Cytogenetic location: 1p21.2.
Variant type: Duplication.
Coding change: c.1391dup on transcript NM_000642.3 (MANE Select); coding-DNA position 1391, one base duplicated (G; older notation c.1391dupG).
Protein change: p.Asp465fs; shifts the reading frame from aspartic acid 465.
Molecular consequence: frameshift variant.
Genome position (GRCh38, 1-based): chr1:99,876,565, G duplicated; the last of 3 consecutive G bases (chr1:99,876,563-99,876,565); duplicating any one gives the same sequence. VCF-style (leftmost placement, unchanged base first): chr1-99876562-T-TG. GRCh37 (hg19) VCF-style: chr1-100342118-T-TG.
Other names: c.1391dup, p.Asp465Argfs (NM_000028.3, NM_000643.3, NM_000644.3 and 2 more transcripts); c.1343dup, p.Asp449Argfs (NM_000646.3); c.1190dup, p.Asp398Argfs (NM_001425327.1); c.1187dup, p.Asp397Argfs (NM_001425328.1, NM_001425329.1); c.1013dup, p.Asp339Argfs (NM_001425332.1); short protein forms D449fs, D465fs.
Identifiers: ClinVar variation 188999 (VCV000188999.5), dbSNP rs786204616, ClinGen allele CA274234.

ClinVar aggregate classification (germline): Pathogenic. Review status: criteria provided, single submitter (1 of 4 stars). 2 submissions from 2 submitters: Pathogenic (1). 1 of the submissions does not count toward it. Last evaluated 2024-02-20.

Conditions:
Glycogen storage disease type III (GSD3). Also called: FORBES DISEASE; Cori disease. Identifiers: Orphanet 366, MedGen C0017922, MONDO:0009291, OMIM 232400.

Submissions (2):

Labcorp Genetics (formerly Invitae), Labcorp
Classification: Pathogenic for Glycogen storage disease type III. Last evaluated: 2024-02-20. Review status: criteria provided, single submitter. Criteria: Invitae Variant Classification Sherloc (09022015). Collection method: clinical testing. Allele origin: germline.
Comment: This sequence change creates a premature translational stop signal (p.Asp465Argfs*2) in the AGL gene. It is expected to result in an absent or disrupted protein product. Loss-of-function variants in AGL are known to be pathogenic (PMID: 19299494). This variant is not present in population databases (gnomAD no frequency). This premature translational stop signal has been observed in individual(s) with glycogen storage disease type III (PMID: 19754354). This variant is also known as c.1389insG. ClinVar contains an entry for this variant (Variation ID: 188999). For these reasons, this variant has been classified as Pathogenic.

Counsyl
Classification: Likely pathogenic for Glycogen storage disease type III. Last evaluated: 2014-10-06. Review status: no assertion criteria provided. Collection method: literature only. Allele origin: unknown. Inheritance: Autosomal recessive inheritance. Not counted in ClinVar's aggregate classification.

Literature cited by the submitters: PubMed 19299494 (cited by Labcorp Genetics (formerly Invitae), Labcorp); PubMed 19754354 (cited by Labcorp Genetics (formerly Invitae), Labcorp and Counsyl); PubMed 18617770 (cited by Counsyl).